The following is an entry in ClinVar:

ClinVar aggregate classification (germline): Uncertain significance. Review status: criteria provided, multiple submitters, no conflicts (2 of 4 stars). 2 submissions from 2 submitters: Uncertain significance (2). Last evaluated 2023-04-09.

Conditions:
Inborn genetic diseases. Identifiers: MedGen C0950123, MeSH D030342.

Allele frequency attached by ClinVar (database versions not stated): gnomAD 0.00034; 1000 Genomes Project 0.00040; 1000 Genomes Project 30x 0.00047; ESP Exome Variant Server 0.00048.
gnomAD v4.1: 102 of 1,614,030 alleles (0.0063%); highest among the groups gnomAD compares: African/African-American, 0.11%; 1 homozygote.

Submissions (2):

Labcorp Genetics (formerly Invitae), Labcorp
Classification: Uncertain significance. Last evaluated: 2023-04-09. Review status: criteria provided, single submitter. Criteria: Invitae Variant Classification Sherloc (09022015). Collection method: clinical testing. Allele origin: germline.
Comment: This sequence change replaces serine, which is neutral and polar, with arginine, which is basic and polar, at codon 101 of the NIPAL4 protein (p.Ser101Arg). This variant is present in population databases (rs200083422, gnomAD 0.1%). This variant has not been reported in the literature in individuals affected with NIPAL4-related conditions. ClinVar contains an entry for this variant (Variation ID: 2377450). An algorithm developed to predict the effect of missense changes on protein structure and function (PolyPhen-2) suggests that this variant¬¨‚Ä† is likely to be tolerated. In summary, the available evidence is currently insufficient to determine the role of this variant in disease. Therefore, it has been classified as a Variant of Uncertain Significance.

Ambry Genetics
Classification: Uncertain significance for Inborn genetic diseases. Last evaluated: 2021-10-22. Review status: criteria provided, single submitter. Criteria: Ambry Variant Classification Scheme 2023. Collection method: clinical testing. Allele origin: germline.

NM_001099287.2(NIPAL4):c.117C>A (p.Ser39Arg)

Gene: NIPAL4 (NIPA like domain containing 4; plus strand). Cytogenetic location: 5q33.3.
Variant type: single nucleotide variant.
Coding change: c.117C>A on transcript NM_001099287.2 (MANE Select); coding-DNA position 117, C replaced by A.
Protein change: p.Ser39Arg; replaces serine 39 with arginine.
Molecular consequence: missense variant.
Genome position (GRCh38, 1-based): chr5:157,463,173, C>A. VCF-style: chr5-157463173-C-A. GRCh37 (hg19) VCF-style: chr5-156890181-C-A.
Other names: c.117C>A, p.Ser39Arg (NM_001172292.2); short protein forms S101R, S39R.
Identifiers: ClinVar variation 2377450 (VCV002377450.4), dbSNP rs200083422, ClinGen allele CA3534530.